The following is an entry in ClinVar:

ClinVar aggregate classification (germline): Uncertain significance (1 of 4 stars; one submission).

Conditions:
Left ventricular noncompaction 8 (LVNC8). Identifiers: Orphanet 154, Orphanet 54260, MedGen C3809288, MONDO:0014152, OMIM 615373.

Submission:

Labcorp Genetics (formerly Invitae), Labcorp
Classification: Uncertain significance for Left ventricular noncompaction 8. Last evaluated: 2022-03-08. Review status: criteria provided, single submitter. Criteria: Invitae Variant Classification Sherloc (09022015). Collection method: clinical testing. Allele origin: germline.
Comment: This sequence change creates a premature translational stop signal (p.Arg810Profs*173) in the PRDM16 gene. It is expected to result in an absent or disrupted protein product. However, the current clinical and genetic evidence is not sufficient to establish whether loss-of-function variants in PRDM16 cause disease. In summary, the available evidence is currently insufficient to determine the role of this variant in disease. Therefore, it has been classified as a Variant of Uncertain Significance. This variant has not been reported in the literature in individuals affected with PRDM16-related conditions. This variant is not present in population databases (gnomAD no frequency).

NM_022114.4(PRDM16):c.2428dup (p.Arg810fs)

Gene: PRDM16 (PR/SET domain 16; plus strand). Cytogenetic location: 1p36.32.
Variant type: Duplication.
Coding change: c.2428dup on transcript NM_022114.4 (MANE Select); coding-DNA position 2428, one base duplicated (C; older notation c.2428dupC).
Protein change: p.Arg810fs; shifts the reading frame from arginine 810.
Molecular consequence: frameshift variant.
Genome position (GRCh38, 1-based): chr1:3,412,625, C duplicated; the last of 2 consecutive C bases (chr1:3,412,624-3,412,625); duplicating either gives the same sequence. VCF-style (leftmost placement, unchanged base first): chr1-3412623-G-GC. GRCh37 (hg19) VCF-style: chr1-3329187-G-GC.
Other names: c.2428dup, p.Arg810fs (NM_199454.3); short protein forms R810fs.
Identifiers: ClinVar variation 2089243 (VCV002089243.4), dbSNP rs2523887259, ClinGen allele CA2580062513.